The following is an entry in ClinVar:

NM_023110.3(FGFR1):c.316C>T (p.Pro106Ser)

Gene: FGFR1 (fibroblast growth factor receptor 1; minus strand). Cytogenetic location: 8p11.23.
Variant type: single nucleotide variant.
Coding change: c.316C>T on transcript NM_023110.3 (MANE Select); coding-DNA position 316, C replaced by T.
Protein change: p.Pro106Ser; replaces proline 106 with serine.
Molecular consequence: missense variant. On other transcripts: intron variant (5).
Genome position (GRCh38, 1-based): chr8:38,429,724, G>A on the plus strand (C>T on the coding strand, the complement: FGFR1 is on the minus strand). VCF-style: chr8-38429724-G-A. GRCh37 (hg19) VCF-style: chr8-38287242-G-A.
Other names: c.316C>T, p.Pro106Ser (NM_000604.2, NM_001174063.2, NM_001174065.2 and 4 more transcripts); c.292C>T, p.Pro98Ser (NM_001174064.2); c.415C>T, p.Pro139Ser (NM_001174067.2); c.92-1289C>T (NM_001354368.2, NM_001354370.2, NM_023106.3 and 2 more transcripts); short protein forms P139S, P106S, P98S.
Identifiers: ClinVar variation 2948731 (VCV002948731.4), dbSNP rs1454598352, ClinGen allele CA370736211.

ClinVar aggregate classification (germline): Uncertain significance. Review status: criteria provided, multiple submitters, no conflicts (2 of 4 stars). 2 submissions from 2 submitters: Uncertain significance (2). Last evaluated 2025-09-28.

Conditions:
Pfeiffer syndrome (ACS5). Also called: ACS V. Identifiers: Orphanet 710, MedGen C0220658, MONDO:0007043, OMIM 101600.
Hypogonadotropic hypogonadism 2 with or without anosmia (HH2). Also called: HYPOGONADOTROPIC HYPOGONADISM 2 WITH OR WITHOUT ANOSMIA, SUSCEPTIBILITY TO; HYPOGONADOTROPIC HYPOGONADISM 2 WITHOUT ANOSMIA; HYPOGONADOTROPIC HYPOGONADISM 2 WITHOUT ANOSMIA, SUSCEPTIBILITY TO; FGFR1-Related GnRH Deficiency (Kallmann Syndrome 2). Identifiers: Orphanet 478, MedGen C1563720, MONDO:0007844, OMIM 147950. Disease mechanism: loss of function.
Inborn genetic diseases. Identifiers: MedGen C0950123, MeSH D030342.

Allele frequency attached by ClinVar (database versions not stated): TOPMed below 0.00001.

Submissions (2):

Ambry Genetics
Classification: Uncertain significance for Inborn genetic diseases. Last evaluated: 2025-09-28. Review status: criteria provided, single submitter. Criteria: Ambry Variant Classification Scheme 2023. Collection method: clinical testing. Allele origin: germline.

Labcorp Genetics (formerly Invitae), Labcorp
Classification: Uncertain significance for Pfeiffer syndrome; Hypogonadotropic hypogonadism 2 with or without anosmia. Last evaluated: 2025-08-03. Review status: criteria provided, single submitter. Criteria: Invitae Variant Classification Sherloc (09022015). Collection method: clinical testing. Allele origin: germline.
Comment: This sequence change replaces proline, which is neutral and non-polar, with serine, which is neutral and polar, at codon 106 of the FGFR1 protein (p.Pro106Ser). This variant is not present in population databases (gnomAD no frequency). This variant has not been reported in the literature in individuals affected with FGFR1-related conditions. ClinVar contains an entry for this variant (Variation ID: 2948731). Invitae Evidence Modeling of protein sequence and biophysical properties (such as structural, functional, and spatial information, amino acid conservation, physicochemical variation, residue mobility, and thermodynamic stability) has been performed for this missense variant. However, the output from this modeling did not meet the statistical confidence thresholds required to predict the impact of this variant on FGFR1 protein function. In summary, the available evidence is currently insufficient to determine the role of this variant in disease. Therefore, it has been classified as a Variant of Uncertain Significance.